The following is an entry in ClinVar:

NM_003392.7(WNT5A):c.695A>G (p.Asn232Ser)

Gene: WNT5A (Wnt family member 5A; minus strand). Cytogenetic location: 3p14.3.
Variant type: single nucleotide variant.
Coding change: c.695A>G on transcript NM_003392.7 (MANE Select); coding-DNA position 695, A replaced by G.
Protein change: p.Asn232Ser; replaces asparagine 232 with serine.
Molecular consequence: missense variant.
Genome position (GRCh38, 1-based): chr3:55,470,540, T>C on the plus strand (A>G on the coding strand, the complement: WNT5A is on the minus strand). VCF-style: chr3-55470540-T-C. GRCh37 (hg19) VCF-style: chr3-55504568-T-C.
Other names: c.650A>G, p.Asn217Ser (NM_001256105.1, NM_001377271.1, NM_001377272.1); short protein forms N217S, N232S.
Identifiers: ClinVar variation 1928672 (VCV001928672.6), dbSNP rs777506252, ClinGen allele CA2458979.

ClinVar aggregate classification (germline): Uncertain significance. Review status: criteria provided, multiple submitters, no conflicts (2 of 4 stars). 2 submissions from 2 submitters: Uncertain significance (2). Last evaluated 2024-02-28.

Conditions:
Inborn genetic diseases. Identifiers: MedGen C0950123, MeSH D030342.

Allele frequency attached by ClinVar (database versions not stated): gnomAD exomes below 0.00001; gnomAD 0.00001; TOPMed 0.00002; ExAC 0.00005.
gnomAD v4.1: 8 of 1,547,624 alleles (0.00052%); highest among the groups gnomAD compares: East Asian, 0.016%; no homozygotes.

Submissions (2):

Ambry Genetics
Classification: Uncertain significance for Inborn genetic diseases. Last evaluated: 2024-02-28. Review status: criteria provided, single submitter. Criteria: Ambry Variant Classification Scheme 2023. Collection method: clinical testing. Allele origin: germline.

Labcorp Genetics (formerly Invitae), Labcorp
Classification: Uncertain significance. Last evaluated: 2022-03-20. Review status: criteria provided, single submitter. Criteria: Invitae Variant Classification Sherloc (09022015). Collection method: clinical testing. Allele origin: germline.
Comment: In summary, the available evidence is currently insufficient to determine the role of this variant in disease. Therefore, it has been classified as a Variant of Uncertain Significance. Algorithms developed to predict the effect of missense changes on protein structure and function output the following: SIFT: "Tolerated"; PolyPhen-2: "Benign"; Align-GVGD: "Class C0". The serine amino acid residue is found in multiple mammalian species, which suggests that this missense change does not adversely affect protein function. This variant has not been reported in the literature in individuals affected with WNT5A-related conditions. This variant is present in population databases (rs777506252, gnomAD 0.05%). This sequence change replaces asparagine, which is neutral and polar, with serine, which is neutral and polar, at codon 232 of the WNT5A protein (p.Asn232Ser).